The following is an entry in ClinVar:

NM_013275.6(ANKRD11):c.3660G>A (p.Arg1220=)

Gene: ANKRD11 (ankyrin repeat domain 11; minus strand). Cytogenetic location: 16q24.3.
Variant type: single nucleotide variant.
Coding change: c.3660G>A on transcript NM_013275.6 (MANE Select); coding-DNA position 3660, G replaced by A.
Protein change: p.Arg1220=; no amino-acid change (arginine 1220 retained).
Molecular consequence: synonymous variant.
Genome position (GRCh38, 1-based): chr16:89,282,882, C>T on the plus strand (G>A on the coding strand, the complement: ANKRD11 is on the minus strand). VCF-style: chr16-89282882-C-T. GRCh37 (hg19) VCF-style: chr16-89349290-C-T.
Other names: c.3660G>A, p.Arg1220= (NM_001256182.2, NM_001256183.2).
Identifiers: ClinVar variation 585408 (VCV000585408.45), dbSNP rs150015583, ClinGen allele CA8242314.
Genomic context (GRCh38, chr16:89,282,882, plus strand): 5'-CTCGGGGAGCTTCTGTTTATTTTTCTTATCTTGCGTGGAGTCCACTGAGGCTCTGTCCTT[C>T]CTGTCCTTGTACTTTTCTGTGGACTCTTTATCCTTCTTCTCCTTGTGCTTTTCAAAGACT-3'
Protein context (NP_037407.4, residues 1210-1230): DKESTEKYKD[Arg1220=]KDRASVDSTQ

ClinVar aggregate classification (germline): Benign/Likely benign. Review status: criteria provided, multiple submitters, no conflicts (2 of 4 stars). 9 submissions from 9 submitters: Benign (5); Likely benign (4). Last evaluated 2026-09-01.

Conditions:
Inborn genetic diseases. Identifiers: MedGen C0950123, MeSH D030342.
KBG syndrome (KBGS). Also called: ANKRD11-Related KBG Syndrome. Identifiers: Orphanet 2332, MedGen C0220687, MONDO:0007846, OMIM 148050.

Allele frequency attached by ClinVar (database versions not stated): 1000 Genomes Project 30x 0.00016; 1000 Genomes Project 0.00020; ExAC 0.00106; gnomAD exomes 0.00109 and 0.00238; TOPMed 0.00120; gnomAD 0.00134 and 0.00142; ESP Exome Variant Server 0.00169.
gnomAD v4.1: 3,593 of 1,613,022 alleles (0.22%); highest among the groups gnomAD compares: Non-Finnish European, 0.3%; 9 homozygotes.

Submissions (9):

CeGaT Center for Human Genetics Tuebingen
Classification: Likely benign. Last evaluated: 2026-09-01. Review status: criteria provided, single submitter. Criteria: CeGaT Center For Human Genetics Tuebingen Variant Classification Criteria Version 2. Collection method: clinical testing. Allele origin: germline. Affected: yes. Observed: 12 variant alleles.
Comment: ANKRD11: BP4, BP7, BS1

Labcorp Genetics (formerly Invitae), Labcorp
Classification: Benign for KBG syndrome. Last evaluated: 2025-12-26. Review status: criteria provided, single submitter. Criteria: Invitae Variant Classification Sherloc (09022015). Collection method: clinical testing. Allele origin: germline.

ARUP Laboratories, Molecular Genetics and Genomics, ARUP Laboratories
Classification: Benign for KBG syndrome. Last evaluated: 2025-03-26. Review status: criteria provided, single submitter. Criteria: ARUP Molecular Germline Variant Investigation Process 2024. Collection method: clinical testing. Allele origin: germline.

Blueprint Genetics
Classification: Likely benign. Last evaluated: 2024-11-14. Review status: criteria provided, single submitter. Criteria: ACMG Guidelines, 2015. Collection method: clinical testing. Allele origin: germline.

Genome-Nilou Lab
Classification: Benign for KBG syndrome. Last evaluated: 2021-12-05. Review status: criteria provided, single submitter. Criteria: ACMG Guidelines, 2015. Collection method: clinical testing. Allele origin: germline. Affected: no.

GeneDx
Classification: Benign. Last evaluated: 2020-10-23. Review status: criteria provided, single submitter. Criteria: GeneDx Variant Classification Process June 2021. Collection method: clinical testing. Allele origin: germline. Affected: yes.

Athena Diagnostics
Classification: Benign. Last evaluated: 2018-04-16. Review status: criteria provided, single submitter. Criteria: Athena Diagnostics Criteria. Collection method: clinical testing. Allele origin: germline.

Ambry Genetics
Classification: Likely benign for Inborn genetic diseases. Last evaluated: 2016-06-21. Review status: criteria provided, single submitter. Criteria: Ambry Variant Classification Scheme 2023. Collection method: clinical testing. Allele origin: germline.

Breakthrough Genomics
Classification: Likely benign. Review status: criteria provided, single submitter. Criteria: ACMG Guidelines, 2015. Collection method: not provided. Allele origin: germline. Inheritance: Autosomal dominant inheritance. Affected: yes.